The following is an entry in ClinVar:

ClinVar aggregate classification (germline): Uncertain significance (1 of 4 stars; one submission).

Conditions:
Inborn genetic diseases. Identifiers: MedGen C0950123, MeSH D030342.

Submission:

Ambry Genetics
Classification: Uncertain significance for Inborn genetic diseases. Last evaluated: 2025-08-31. Review status: criteria provided, single submitter. Criteria: Ambry Variant Classification Scheme 2023. Collection method: clinical testing. Allele origin: germline.
Comment: The p.P1043A variant (also known as c.3127C>G), located in coding exon 31 of the RTEL1 gene, results from a C to G substitution at nucleotide position 3127. The proline at codon 1043 is replaced by alanine, an amino acid with highly similar properties. This amino acid position is conserved. In addition, this alteration is predicted to be tolerated by in silico analysis. Based on the available evidence, the clinical significance of this variant remains unclear.

NM_001283009.2(RTEL1):c.3127C>G (p.Pro1043Ala)

Genes: RTEL1 (regulator of telomere elongation helicase 1; plus strand), RTEL1-TNFRSF6B (RTEL1-TNFRSF6B readthrough (NMD candidate); plus strand). Cytogenetic location: 20q13.33.
Variant type: single nucleotide variant.
Coding change: c.3127C>G on transcript NM_001283009.2 (MANE Select); coding-DNA position 3127, C replaced by G.
Protein change: p.Pro1043Ala; replaces proline 1043 with alanine.
Molecular consequence: missense variant. On other transcripts: non-coding transcript variant (1).
Genome position (GRCh38, 1-based): chr20:63,694,758, C>G. VCF-style: chr20-63694758-C-G. GRCh37 (hg19) VCF-style: chr20-62326111-C-G.
Other names: c.2458C>G, p.Pro820Ala (NM_001283010.1); c.3127C>G, p.Pro1043Ala (NM_016434.4); c.3199C>G, p.Pro1067Ala (NM_032957.5); short protein forms P1043A, P1067A, P820A.
Identifiers: ClinVar variation 4157715 (VCV004157715.1).